The following is an entry in ClinVar:

NM_004958.4(MTOR):c.7246del (p.Ala2416fs)

Gene: MTOR (mechanistic target of rapamycin kinase; minus strand). Cytogenetic location: 1p36.22.
Variant type: Deletion.
Coding change: c.7246del on transcript NM_004958.4 (MANE Select); coding-DNA position 7246, one base deleted (G; older notation c.7246delG).
Protein change: p.Ala2416fs; shifts the reading frame from alanine 2416.
Molecular consequence: frameshift variant.
Genome position (GRCh38, 1-based): chr1:11,114,372, C deleted on the plus strand (G on the coding strand, the reverse complement: MTOR is on the minus strand); the first of 2 consecutive C bases (chr1:11,114,372-11,114,373); deleting either gives the same sequence. VCF-style (leftmost placement, unchanged base first): chr1-11114371-GC-G. GRCh37 (hg19) VCF-style: chr1-11174428-GC-G.
Other names: c.7246del, p.Ala2416fs (NM_001386500.1); c.5998del, p.Ala2000fs (NM_001386501.1); c.7245delG, p.Ala2416Profs (NM_004958.3); short protein forms A2000fs, A2416fs.
Identifiers: ClinVar variation 1800602 (VCV001800602.2), dbSNP rs2522065899, ClinGen allele CA2580060487.

ClinVar aggregate classification (germline): Uncertain significance (1 of 4 stars; one submission).

Submission:

GeneDx
Classification: Uncertain significance. Last evaluated: 2026-06-15. Review status: criteria provided, single submitter. Criteria: GeneDx Variant Classification Process June 2021. Collection method: clinical testing. Allele origin: germline.
Comment: Not observed at significant frequency in large population cohorts (gnomAD); Has not been previously published as pathogenic or benign to our knowledge; Frameshift variant predicted to result in protein truncation or nonsense mediated decay in a gene or region of a gene for which loss of function is not a known mechanism of disease